The following is an entry in ClinVar:

ClinVar aggregate classification (germline): Pathogenic (1 of 4 stars; one submission).

Allele frequency attached by ClinVar (database versions not stated): gnomAD exomes 0.00001; TOPMed 0.00001.

Submission:

Labcorp Genetics (formerly Invitae), Labcorp
Classification: Pathogenic. Last evaluated: 2023-07-26. Review status: criteria provided, single submitter. Criteria: Invitae Variant Classification Sherloc (09022015). Collection method: clinical testing. Allele origin: germline.
Comment: This sequence change creates a premature translational stop signal (p.Gly942Alafs*86) in the COL18A1 gene. It is expected to result in an absent or disrupted protein product. Loss-of-function variants in COL18A1 are known to be pathogenic (PMID: 12415512, 25456301). The frequency data for this variant in the population databases is considered unreliable, as metrics indicate poor data quality at this position in the gnomAD database. This variant has not been reported in the literature in individuals affected with COL18A1-related conditions. For these reasons, this variant has been classified as Pathogenic.

Literature cited by the submitters: PubMed 12415512; PubMed 25456301.

NM_001379500.1(COL18A1):c.2823_2832del (p.Gly942fs)

Genes: COL18A1 (collagen type XVIII alpha 1 chain; plus strand), SLC19A1 (solute carrier family 19 member 1; minus strand). Cytogenetic location: 21q22.3.
Variant type: Deletion.
Coding change: c.2823_2832del on transcript NM_001379500.1 (MANE Select); coding-DNA positions 2823 to 2832, 10 bases deleted (CGGCCCCCCA; older notation c.2823_2832delCGGCCCCCCA).
Protein change: p.Gly942fs; shifts the reading frame from glycine 942.
Molecular consequence: frameshift variant.
Genome position (GRCh38, 1-based): chr21:45,504,511-45,504,520, CGGCCCCCCA deleted. VCF-style (leftmost placement, unchanged base first): chr21-45504510-CCGGCCCCCCA-C. GRCh37 (hg19) VCF-style: chr21-46924424-CCGGCCCCCCA-C.
Other names: c.3363_3372del, p.Gly1122fs (NM_030582.4); c.4068_4077del, p.Gly1357fs (NM_130444.3); short protein forms G942fs, G1122fs, G1357fs.
Identifiers: ClinVar variation 1958060 (VCV001958060.5), dbSNP rs1555874527, ClinGen allele CA512687168.
Genomic context (GRCh38, chr21:45,504,510, plus strand): 5'-AAGGCGAAAGGGGGGAGCCCGGGGGCGGCGGTTTCTTCGGCTCCAGCCTGCCCGGCCCCC[CCGGCCCCCCA>C]GGCCCCCCAGGCCCACGTGGCTACCCTGGGATTCCAGTAAGTCCCAGCCTGTGCAGGCAG-3'